The following is an entry in ClinVar:

ClinVar aggregate classification (germline): Uncertain significance (1 of 4 stars; one submission).

Submission:

Labcorp Genetics (formerly Invitae), Labcorp
Classification: Uncertain significance. Last evaluated: 2025-05-12. Review status: criteria provided, single submitter. Criteria: Invitae Variant Classification Sherloc (09022015). Collection method: clinical testing. Allele origin: germline.
Comment: This sequence change replaces arginine, which is basic and polar, with glycine, which is neutral and non-polar, at codon 387 of the TSEN54 protein (p.Arg387Gly). This variant is not present in population databases (gnomAD no frequency). This variant has not been reported in the literature in individuals affected with TSEN54-related conditions. Invitae Evidence Modeling of protein sequence and biophysical properties (such as structural, functional, and spatial information, amino acid conservation, physicochemical variation, residue mobility, and thermodynamic stability) has been performed for this missense variant. However, the output from this modeling did not meet the statistical confidence thresholds required to predict the impact of this variant on TSEN54 protein function. In summary, the available evidence is currently insufficient to determine the role of this variant in disease. Therefore, it has been classified as a Variant of Uncertain Significance.

NM_207346.3(TSEN54):c.1159C>G (p.Arg387Gly)

Gene: TSEN54 (tRNA splicing endonuclease subunit 54; plus strand). Cytogenetic location: 17q25.1.
Variant type: single nucleotide variant.
Coding change: c.1159C>G on transcript NM_207346.3 (MANE Select); coding-DNA position 1159, C replaced by G.
Protein change: p.Arg387Gly; replaces arginine 387 with glycine.
Molecular consequence: missense variant.
Genome position (GRCh38, 1-based): chr17:75,522,240, C>G. VCF-style: chr17-75522240-C-G. GRCh37 (hg19) VCF-style: chr17-73518321-C-G.
Other names: short protein forms R387G.
Identifiers: ClinVar variation 4772406 (VCV004772406.1).